The following is an entry in ClinVar:

NM_001278064.2(GRM1):c.2509A>C (p.Ile837Leu)

Gene: GRM1 (glutamate metabotropic receptor 1; plus strand). Cytogenetic location: 6q24.3.
Variant type: single nucleotide variant.
Coding change: c.2509A>C on transcript NM_001278064.2 (MANE Select); coding-DNA position 2509, A replaced by C.
Protein change: p.Ile837Leu; replaces isoleucine 837 with leucine.
Molecular consequence: missense variant.
Genome position (GRCh38, 1-based): chr6:146,399,548, A>C. VCF-style: chr6-146399548-A-C. GRCh37 (hg19) VCF-style: chr6-146720684-A-C.
Other names: c.2509A>C, p.Ile837Leu (NM_001278065.2, NM_001278066.1, NM_001278067.1); short protein forms I837L.
Identifiers: ClinVar variation 1723632 (VCV001723632.2), dbSNP rs1432798773, ClinGen allele CA366195762.

ClinVar aggregate classification (germline): Uncertain significance (1 of 4 stars; one submission).

Submission:

GeneDx
Classification: Uncertain significance. Last evaluated: 2022-11-17. Review status: criteria provided, single submitter. Criteria: GeneDx Variant Classification Process June 2021. Collection method: clinical testing. Allele origin: germline. Affected: yes.
Comment: Not observed at significant frequency in large population cohorts (gnomAD); In silico analysis supports that this missense variant does not alter protein structure/function; Has not been previously published as pathogenic or benign to our knowledge